The following is an entry in ClinVar:

NM_020366.4(RPGRIP1):c.1116del (p.Lys372fs)

Gene: RPGRIP1 (RPGR interacting protein 1; plus strand). Cytogenetic location: 14q11.2.
Variant type: Deletion.
Coding change: c.1116del on transcript NM_020366.4 (MANE Select); coding-DNA position 1116, one base deleted (A; older notation c.1116delA).
Protein change: p.Lys372fs; shifts the reading frame from lysine 372.
Molecular consequence: frameshift variant.
Genome position (GRCh38, 1-based): chr14:21,312,471, A deleted; the last of 4 consecutive A bases (chr14:21,312,468-21,312,471); deleting any one gives the same sequence. VCF-style (leftmost placement, unchanged base first): chr14-21312467-GA-G. GRCh37 (hg19) VCF-style: chr14-21780626-GA-G.
Other names: c.1116delA (NM_020366.3); short protein forms K372fs.
Identifiers: ClinVar variation 438160 (VCV000438160.14), dbSNP rs776880045, ClinGen allele CA7088874.

ClinVar aggregate classification (germline): Pathogenic/Likely pathogenic. Review status: criteria provided, multiple submitters, no conflicts (2 of 4 stars). 5 submissions from 5 submitters: Pathogenic (2); Likely pathogenic (1). 2 of the submissions do not count toward it. Last evaluated 2025-05-22.

Conditions:
RPGRIP1-related disorder. Also called: RPGRIP1-related condition.
Cone-rod dystrophy 13 (CORD13). Identifiers: Orphanet 1872, MedGen C2750720, MONDO:0011987, OMIM 608194.
Leber congenital amaurosis 6 (LCA6). Identifiers: Orphanet 65, MedGen C1854260, MONDO:0013446, OMIM 613826.
Leber congenital amaurosis (LCA). Also called: Leber's amaurosis. Identifiers: Orphanet 65, MedGen C0339527, MeSH D057130, MONDO:0018998.

Submissions (5):

PreventionGenetics, part of Exact Sciences
Classification: Likely pathogenic for RPGRIP1-related condition. Last evaluated: 2025-05-22. Review status: criteria provided, single submitter. Criteria: ACMG Guidelines, 2015. Collection method: clinical testing. Allele origin: germline.
Comment: The RPGRIP1 c.1116delA variant is predicted to result in a frameshift and premature protein termination (p.Lys372Asnfs*3). This variant has been reported along with a second RPGRIP1 variant in individuals with retinal disease (Table S2, Carss et al. 2017. PubMed ID: 28041643; Table S1, Lin et al. 2024. PubMed ID: 38219857). This variant is present in 0.0029% of alleles in individuals of Latino descent in gnomAD. Frameshift variants in RPGRIP1 are an established mechanism of disease. This variant is interpreted as likely pathogenic.

Labcorp Genetics (formerly Invitae), Labcorp
Classification: Pathogenic for Leber congenital amaurosis 6; Cone-rod dystrophy 13. Last evaluated: 2023-11-06. Review status: criteria provided, single submitter. Criteria: Invitae Variant Classification Sherloc (09022015). Collection method: clinical testing. Allele origin: germline.
Comment: This sequence change creates a premature translational stop signal (p.Lys372Asnfs*3) in the RPGRIP1 gene. It is expected to result in an absent or disrupted protein product. Loss-of-function variants in RPGRIP1 are known to be pathogenic (PMID: 11528500, 23105016). This variant is present in population databases (rs776880045, gnomAD 0.003%). This premature translational stop signal has been observed in individual(s) with Leber congenital amaurosis (PMID: 28041643). ClinVar contains an entry for this variant (Variation ID: 438160). Algorithms developed to predict the effect of sequence changes on RNA splicing suggest that this variant may disrupt the consensus splice site. For these reasons, this variant has been classified as Pathogenic.

Blueprint Genetics
Classification: Pathogenic for RPGRIP1-related disorders. Last evaluated: 2019-11-29. Review status: criteria provided, single submitter. Criteria: ACMG Guidelines, 2015. Collection method: clinical testing. Allele origin: germline. Affected: yes. Observed: 3 variant alleles.

NIHR Bioresource Rare Diseases, University of Cambridge
Classification: Likely pathogenic for Leber congenital amaurosis. Last evaluated: 2015-01-01. Review status: no assertion criteria provided. Collection method: research. Allele origin: unknown. Affected: yes. Observed: 1 variant allele. Not counted in ClinVar's aggregate classification.

Laboratory of Genetics in Ophthalmology, Institut Imagine
Classification: Pathogenic for Leber congenital amaurosis 6. Review status: no assertion criteria provided. Collection method: research. Allele origin: inherited. Affected: yes. Observed: 1 variant allele. Not counted in ClinVar's aggregate classification.

Literature cited by the submitters: PubMed 11528500 (cited by Labcorp Genetics (formerly Invitae), Labcorp); PubMed 23105016 (cited by Labcorp Genetics (formerly Invitae), Labcorp); PubMed 28041643 (cited by 3 submitters).